The following is an entry in ClinVar:

NM_024652.6(LRRK1):c.1789C>T (p.Leu597Phe)

Gene: LRRK1 (leucine rich repeat kinase 1; plus strand). Cytogenetic location: 15q26.3.
Variant type: single nucleotide variant.
Coding change: c.1789C>T on transcript NM_024652.6 (MANE Select); coding-DNA position 1789, C replaced by T.
Protein change: p.Leu597Phe; replaces leucine 597 with phenylalanine.
Molecular consequence: missense variant.
Genome position (GRCh38, 1-based): chr15:101,021,894, C>T. VCF-style: chr15-101021894-C-T. GRCh37 (hg19) VCF-style: chr15-101562099-C-T.
Other names: short protein forms L597F.
Identifiers: ClinVar variation 1394096 (VCV001394096.8), dbSNP rs2033813786, ClinGen allele CA393962345.
Genomic context (GRCh38, chr15:101,021,894, plus strand): 5'-TCTGTCTTCAGCAACCCTGGCCTCCGGGAGCTCCCTCCTGAGCTGGGGCAGCTGGGCAAC[C>T]TCTGGCAGCTGGACACTGAAGACCTGACCATCAGCAATGTGCCTGCAGAAATCCAAAAAG-3'
Protein context (NP_078928.3, residues 587-607): LPPELGQLGN[Leu597Phe]WQLDTEDLTI

ClinVar aggregate classification (germline): Uncertain significance (1 of 4 stars; one submission).

Allele frequency attached by ClinVar (database versions not stated): TOPMed below 0.00001.

Submission:

Labcorp Genetics (formerly Invitae), Labcorp
Classification: Uncertain significance. Last evaluated: 2022-02-05. Review status: criteria provided, single submitter. Criteria: Invitae Variant Classification Sherloc (09022015). Collection method: clinical testing. Allele origin: germline.
Comment: In summary, the available evidence is currently insufficient to determine the role of this variant in disease. Therefore, it has been classified as a Variant of Uncertain Significance. Algorithms developed to predict the effect of missense changes on protein structure and function are either unavailable or do not agree on the potential impact of this missense change (SIFT: "Deleterious"; PolyPhen-2: "Probably Damaging"; Align-GVGD: "Class C0"). This variant has not been reported in the literature in individuals affected with LRRK1-related conditions. This variant is not present in population databases (gnomAD no frequency). This sequence change replaces leucine, which is neutral and non-polar, with phenylalanine, which is neutral and non-polar, at codon 597 of the LRRK1 protein (p.Leu597Phe).